The following is an entry in ClinVar:

NM_000038.6(APC):c.8389A>C (p.Ser2797Arg)

Gene: APC (APC regulator of Wnt signaling pathway; plus strand). Cytogenetic location: 5q22.2.
Variant type: single nucleotide variant.
Coding change: c.8389A>C on transcript NM_000038.6 (MANE Select); coding-DNA position 8389, A replaced by C.
Protein change: p.Ser2797Arg; replaces serine 2797 with arginine.
Molecular consequence: missense variant.
Genome position (GRCh38, 1-based): chr5:112,843,983, A>C. VCF-style: chr5-112843983-A-C. GRCh37 (hg19) VCF-style: chr5-112179680-A-C.
Other names: c.8389A>C, p.Ser2797Arg (NM_001127510.3, NM_001354895.2); c.8335A>C, p.Ser2779Arg (NM_001127511.3); c.8443A>C, p.Ser2815Arg (NM_001354896.2); c.8419A>C, p.Ser2807Arg (NM_001354897.2); c.8314A>C, p.Ser2772Arg (NM_001354898.2); c.8305A>C, p.Ser2769Arg (NM_001354899.2); c.8266A>C, p.Ser2756Arg (NM_001354900.2); c.8212A>C, p.Ser2738Arg (NM_001354901.2); and 5 more; short protein forms S2514R, S2671R, S2756R, S2797R, S2696R, S2769R, S2807R, S2637R.
Identifiers: ClinVar variation 921331 (VCV000921331.4), dbSNP rs147287751, ClinGen allele CA16039539.

ClinVar aggregate classification (germline): Uncertain significance. Review status: criteria provided, multiple submitters, no conflicts (2 of 4 stars). 2 submissions from 2 submitters: Uncertain significance (2). Last evaluated 2023-03-30.

Conditions:
Hereditary cancer-predisposing syndrome. Also called: Neoplastic Syndromes, Hereditary; Tumor predisposition; Hereditary Cancer Syndrome; Hereditary neoplastic syndrome. Identifiers: Orphanet 140162, MedGen C0027672, MeSH D009386, MONDO:0015356.

Submissions (2):

Ambry Genetics
Classification: Uncertain significance for Hereditary cancer-predisposing syndrome. Last evaluated: 2023-03-30. Review status: criteria provided, single submitter. Criteria: Ambry Variant Classification Scheme 2023. Collection method: clinical testing. Allele origin: germline.
Comment: The p.S2797R variant (also known as c.8389A>C), located in coding exon 15 of the APC gene, results from an A to C substitution at nucleotide position 8389. The serine at codon 2797 is replaced by arginine, an amino acid with dissimilar properties. This amino acid position is not well conserved in available vertebrate species. In addition, in silico predictors for this gene do not accurately predict pathogenicity. Since supporting evidence is limited at this time, the clinical significance of this alteration remains unclear.

Color Diagnostics, LLC DBA Color Health
Classification: Uncertain significance for Hereditary cancer-predisposing syndrome. Last evaluated: 2019-06-18. Review status: criteria provided, single submitter. Criteria: ACMG Guidelines, 2015. Collection method: clinical testing. Allele origin: germline.